The following is an entry in ClinVar:

ClinVar aggregate classification (germline): Uncertain significance. Review status: criteria provided, multiple submitters, no conflicts (2 of 4 stars). 2 submissions from 2 submitters: Uncertain significance (2). Last evaluated 2022-06-27.

Conditions:
Inborn genetic diseases. Identifiers: MedGen C0950123, MeSH D030342.

Allele frequency attached by ClinVar (database versions not stated): gnomAD 0.00001; gnomAD exomes 0.00002 and 0.00003; ExAC 0.00003; TOPMed 0.00003; ESP Exome Variant Server 0.00008.
gnomAD v4.1: 30 of 1,613,476 alleles (0.0019%); highest among the groups gnomAD compares: Middle Eastern, 0.099%; no homozygotes.

Submissions (2):

Labcorp Genetics (formerly Invitae), Labcorp
Classification: Uncertain significance. Last evaluated: 2022-06-27. Review status: criteria provided, single submitter. Criteria: Invitae Variant Classification Sherloc (09022015). Collection method: clinical testing. Allele origin: germline.
Comment: This sequence change replaces arginine, which is basic and polar, with lysine, which is basic and polar, at codon 536 of the MAP3K20 protein (p.Arg536Lys). This variant is present in population databases (rs368727251, gnomAD 0.007%). This variant has not been reported in the literature in individuals affected with MAP3K20-related conditions. Experimental studies and prediction algorithms are not available or were not evaluated, and the functional significance of this variant is currently unknown. In summary, the available evidence is currently insufficient to determine the role of this variant in disease. Therefore, it has been classified as a Variant of Uncertain Significance.

Ambry Genetics
Classification: Uncertain significance for Inborn genetic diseases. Last evaluated: 2021-11-09. Review status: criteria provided, single submitter. Criteria: Ambry Variant Classification Scheme 2023. Collection method: clinical testing. Allele origin: germline.

NM_016653.3(MAP3K20):c.1607G>A (p.Arg536Lys)

Genes: MAP3K20 (mitogen-activated protein kinase kinase kinase 20; plus strand), MAP3K20-AS1 (MAP3K20 antisense RNA 1; minus strand). Cytogenetic location: 2q31.1.
Variant type: single nucleotide variant.
Coding change: c.1607G>A on transcript NM_016653.3 (MANE Select); coding-DNA position 1607, G replaced by A.
Protein change: p.Arg536Lys; replaces arginine 536 with lysine.
Molecular consequence: missense variant.
Genome position (GRCh38, 1-based): chr2:173,263,800, G>A. VCF-style: chr2-173263800-G-A. GRCh37 (hg19) VCF-style: chr2-174128528-G-A.
Other names: c.1607G>A (NM_016653.2); short protein forms R536K.
Identifiers: ClinVar variation 1510937 (VCV001510937.4), dbSNP rs368727251, ClinGen allele CA1970914.